The following is an entry in ClinVar:

ClinVar aggregate classification (germline): Conflicting classifications of pathogenicity. Review status: criteria provided, conflicting classifications (1 of 4 stars). 5 submissions from 5 submitters: Uncertain significance (3); Likely benign (1). 1 of the submissions does not count toward it. Last evaluated 2025-05-16.

Conditions:
Hereditary cancer-predisposing syndrome. Also called: Tumor predisposition; Hereditary neoplastic syndrome; Hereditary Cancer Syndrome; Neoplastic Syndromes, Hereditary. Identifiers: Orphanet 140162, MedGen C0027672, MeSH D009386, MONDO:0015356.
Hereditary breast ovarian cancer syndrome. Also called: Hereditary breast and ovarian cancer syndrome; Hereditary breast and ovarian cancer; Hereditary breast and ovarian cancer syndrome (HBOC); BRCA1- and BRCA2-Associated Hereditary Breast and Ovarian Cancer; Hereditary breast and/or ovarian cancer syndrome; Breast and ovarian cancer. Identifiers: Orphanet 145, MedGen C0677776, MeSH D061325, MONDO:0003582. Disease mechanism: loss of function.
Malignant tumor of breast. Also called: Malignant breast neoplasm; Cancer breast. Identifiers: MedGen C0006142, MONDO:0007254. Disease mechanism: loss of function.

Submissions (5):

Ambry Genetics
Classification: Likely benign for Hereditary cancer-predisposing syndrome. Last evaluated: 2025-05-16. Review status: criteria provided, single submitter. Criteria: Ambry Variant Classification Scheme 2023. Collection method: clinical testing. Allele origin: germline.

Labcorp Genetics (formerly Invitae), Labcorp
Classification: Uncertain significance for Hereditary breast ovarian cancer syndrome. Last evaluated: 2025-03-15. Review status: criteria provided, single submitter. Criteria: Invitae Variant Classification Sherloc (09022015). Collection method: clinical testing. Allele origin: germline.
Comment: This sequence change replaces leucine, which is neutral and non-polar, with valine, which is neutral and non-polar, at codon 2890 of the BRCA2 protein (p.Leu2890Val). This variant is not present in population databases (gnomAD no frequency). This variant has not been reported in the literature in individuals affected with BRCA2-related conditions. ClinVar contains an entry for this variant (Variation ID: 1049950). Invitae Evidence Modeling of protein sequence and biophysical properties (such as structural, functional, and spatial information, amino acid conservation, physicochemical variation, residue mobility, and thermodynamic stability) indicates that this missense variant is not expected to disrupt BRCA2 protein function with a negative predictive value of 95%. In summary, the available evidence is currently insufficient to determine the role of this variant in disease. Therefore, it has been classified as a Variant of Uncertain Significance.

Color Diagnostics, LLC DBA Color Health
Classification: Uncertain significance for Hereditary cancer-predisposing syndrome. Last evaluated: 2021-12-20. Review status: criteria provided, single submitter. Criteria: ACMG Guidelines, 2015. Collection method: clinical testing. Allele origin: germline.
Comment: This missense variant replaces leucine with valine at codon 2890 of the BRCA2 protein. Computational prediction suggests that this variant may not impact protein structure and function (internally defined REVEL score threshold <= 0.5, PMID: 27666373). To our knowledge, functional studies have not been reported for this variant. This variant has not been reported in individuals affected with hereditary cancer in the literature. This variant has not been identified in the general population by the Genome Aggregation Database (gnomAD). The available evidence is insufficient to determine the role of this variant in disease conclusively. Therefore, this variant is classified as a Variant of Uncertain Significance.

Quest Diagnostics Nichols Institute San Juan Capistrano
Classification: Uncertain significance. Last evaluated: 2021-06-25. Review status: criteria provided, single submitter. Criteria: Quest Diagnostics criteria. Collection method: clinical testing. Allele origin: unknown.

Department of Pathology and Laboratory Medicine, Sinai Health System
Classification: Uncertain significance for Malignant tumor of breast. Review status: no assertion criteria provided. Collection method: clinical testing. Allele origin: unknown. Affected: yes. Observed: 1 variant allele. Study: The Canadian Open Genetics Repository (COGR). Not counted in ClinVar's aggregate classification.
Comment: The BRCA2 p.Leu2890Val variant was not identified in the literature nor was it identified in the following databases: dbSNP, ClinVar, COGR, Cosmic, MutDB, UMD-LSDB, BIC Database, ARUP Laboratories, Zhejiang University, the Exome Aggregation Consortium (August 8th 2016), or the Genome Aggregation Database (Feb 27, 2017). The variant was only identified in LOVD 3.0 database. The p.Leu2890 residue is conserved in mammals but not in more distantly related organisms. However, 4 of 5 computational analyses (PolyPhen-2, SIFT, AlignGVGD, BLOSUM, MutationTaster) do not suggest a high likelihood of impact to the protein; this information is not predictive enough to rule out pathogenicity. The variant occurs outside of the splicing consensus sequence and 2 of 4 in silico or computational prediction software programs (SpliceSiteFinder, MaxEntScan, NNSPLICE, GeneSplicer) predict a greater than 10% difference in splicing; this is not very predictive of pathogenicity. In summary, based on the above information, the clinical significance of this variant cannot be determined with certainty at this time. This variant is classified as a variant of uncertain significance.

NM_000059.4(BRCA2):c.8668C>G (p.Leu2890Val)

Gene: BRCA2 (BRCA2 DNA repair associated; plus strand). Cytogenetic location: 13q13.1.
Variant type: single nucleotide variant.
Coding change: c.8668C>G on transcript NM_000059.4 (MANE Select); coding-DNA position 8668, C replaced by G.
Protein change: p.Leu2890Val; replaces leucine 2890 with valine.
Molecular consequence: missense variant.
Genome position (GRCh38, 1-based): chr13:32,376,705, C>G. VCF-style: chr13-32376705-C-G. GRCh37 (hg19) VCF-style: chr13-32950842-C-G.
Other names: short protein forms L2890V.
Identifiers: ClinVar variation 1049950 (VCV001049950.18), dbSNP rs80359127, ClinGen allele CA387754738.